The following is an entry in ClinVar:

ClinVar aggregate classification (germline): Uncertain significance (1 of 4 stars; one submission).

Conditions:
Hyperphosphatasia with impaired intellectual development syndrome 1. Also called: MABRY SYNDROME; GLYCOSYLPHOSPHATIDYLINOSITOL BIOSYNTHESIS DEFECT 2; Hyperphosphatasia with intellectual disability syndrome 1. Identifiers: Orphanet 247262, MedGen C4551502, MONDO:0009398, OMIM 239300.

Allele frequency attached by ClinVar (database versions not stated): TOPMed below 0.00001; gnomAD exomes 0.00001.

Submission:

Victorian Clinical Genetics Services, Murdoch Childrens Research Institute
Classification: Uncertain significance for Hyperphosphatasia with impaired intellectual development syndrome 1. Last evaluated: 2019-08-28. Review status: criteria provided, single submitter. Criteria: ACMG Guidelines, 2015. Collection method: clinical testing. Allele origin: germline. Inheritance: Autosomal recessive inheritance.
Comment: A heterozygous deletion variant was identified, NM_017837.3(PIGV):c.974delT in exon 3 of 4 of the PIGV gene. This deletion is predicted to cause a frameshift from amino acid position 325 introducing a stop codon 22 residues downstream, NP_060307.2(PIGV):p.(Val325Glyfs*22), resulting in loss of normal protein function through nonsense-mediated decay (NMD). The variant is present in the gnomAD population database at a frequency of 0.0004% (1 heterozygote, 0 homozygotes). It has not been previously observed in clinical cases. Other variants predicted to cause NMD have been reported in clinical cases but their clinical relevance is unclear (ClinVar, LOVD). Based on information available at the time of curation, this variant has been classified as a VARIANT of UNCERTAIN SIGNIFICANCE (VUS).

NM_017837.4(PIGV):c.974del (p.Val325fs)

Gene: PIGV (phosphatidylinositol glycan anchor biosynthesis class V; plus strand). Cytogenetic location: 1p36.11.
Variant type: Deletion.
Coding change: c.974del on transcript NM_017837.4 (MANE Select); coding-DNA position 974, one base deleted (T; older notation c.974delT).
Protein change: p.Val325fs; shifts the reading frame from valine 325.
Molecular consequence: frameshift variant. On other transcripts: non-coding transcript variant (1), intron variant (1).
Genome position (GRCh38, 1-based): chr1:26,795,008, T deleted. VCF-style (leftmost placement, unchanged base first): chr1-26795007-GT-G. GRCh37 (hg19) VCF-style: chr1-27121498-GT-G.
Other names: c.974del, p.Val325fs (NM_001202554.2, NM_001374478.1, NM_001374480.1 and 2 more transcripts); c.593del, p.Val198fs (NM_001374483.1); c.347del, p.Val116fs (NM_001374484.1, NM_001374485.1); c.79-2555del (NM_001374486.1); short protein forms V116fs, V198fs, V325fs.
Identifiers: ClinVar variation 1806191 (VCV001806191.1), dbSNP rs1172316760, ClinGen allele CA521907106.